The following is an entry in ClinVar:

ClinVar aggregate classification (germline): Uncertain significance. Review status: criteria provided, multiple submitters, no conflicts (2 of 4 stars). 2 submissions from 2 submitters: Uncertain significance (2). Last evaluated 2025-07-21.

Conditions:
Autosomal recessive hypophosphatemic bone disease (HHRH). Also called: HYPERCALCIURIC RICKETS; Hypophosphatemic rickets with hypercalciuria. Identifiers: Orphanet 157215, MedGen C1853271, MONDO:0009431, OMIM 241530.

gnomAD v4.1: 4 of 1,607,110 alleles (0.00025%); highest among the groups gnomAD compares: African/African-American, 0.004%; no homozygotes.

Submissions (2):

Women's Health and Genetics/Laboratory Corporation of America, LabCorp
Classification: Uncertain significance. Last evaluated: 2025-07-21. Review status: criteria provided, single submitter. Criteria: LabCorp Variant Classification Summary - May 2015. Collection method: clinical testing. Allele origin: germline.
Comment: Variant summary: SLC34A3 c.1018G>A (p.Val340Ile) results in a conservative amino acid change in the encoded protein sequence. Algorithms developed to predict the effect of missense changes on protein structure and function all suggest that this variant is likely to be tolerated. The variant was absent in 238138 control chromosomes. The available data on variant occurrences in the general population are insufficient to allow any conclusion about variant significance. To our knowledge, no occurrence of c.1018G>A in individuals affected with Hereditary Hypophosphatemic Rickets With Hypercalciuria and no experimental evidence demonstrating its impact on protein function have been reported. ClinVar contains an entry for this variant (Variation ID: 3596906). Based on the evidence outlined above, the variant was classified as uncertain significance.

Fulgent Genetics
Classification: Uncertain significance for Autosomal recessive hypophosphatemic bone disease. Last evaluated: 2024-05-08. Review status: criteria provided, single submitter. Criteria: ACMG Guidelines, 2015. Collection method: clinical testing. Allele origin: germline.

NM_001177316.2(SLC34A3):c.1018G>A (p.Val340Ile)

Gene: SLC34A3 (solute carrier family 34 member 3; plus strand). Cytogenetic location: 9q34.3.
Variant type: single nucleotide variant.
Coding change: c.1018G>A on transcript NM_001177316.2 (MANE Select); coding-DNA position 1018, G replaced by A.
Protein change: p.Val340Ile; replaces valine 340 with isoleucine.
Molecular consequence: missense variant.
Genome position (GRCh38, 1-based): chr9:137,234,201, G>A. VCF-style: chr9-137234201-G-A. GRCh37 (hg19) VCF-style: chr9-140128653-G-A.
Other names: c.1018G>A, p.Val340Ile (NM_001177317.2, NM_080877.3); c.1018G>A (NM_080877.2); short protein forms V340I.
Identifiers: ClinVar variation 3596906 (VCV003596906.2).
Genomic context (GRCh38, chr9:137,234,201, plus strand): 5'-GACCTGGCCGTGGGCTGCATCCTGCTGGCCGGCTCCCTGCTGGTGCTCTGCGGCTGCCTG[G>A]TCCTCATAGTCAAGCTGCTCAACTCTGTGCTGCGCGGCCGCGTGGCCCAGGTCGTGAGGA-3'
Protein context (NP_001170787.2, residues 330-350): GSLLVLCGCL[Val340Ile]LIVKLLNSVL